The following is an entry in ClinVar:

ClinVar aggregate classification (germline): Likely pathogenic (1 of 4 stars; one submission).

Conditions:
NHS-related disorder. Also called: NHS-related condition.

Submission:

PreventionGenetics, part of Exact Sciences
Classification: Likely pathogenic for NHS-related condition. Last evaluated: 2026-02-10. Review status: criteria provided, single submitter. Criteria: ACMG Guidelines, 2015. Collection method: clinical testing. Allele origin: germline.
Comment: The NHS c.4160-1G>C variant is predicted to disrupt the AG splice acceptor site and interfere with normal splicing. To our knowledge, this variant has not been reported in the literature. This variant is absent in a large population database (gnomAD), indicating this variant is rare. Variants that disrupt the consensus splice acceptor site in NHS are an established mechanism of disease. This variant is interpreted as likely pathogenic.

NM_001291867.2(NHS):c.4223-1G>C

Gene: NHS (NHS actin remodeling regulator; plus strand). Cytogenetic location: Xp22.13.
Variant type: single nucleotide variant.
Coding change: c.4223-1G>C on transcript NM_001291867.2 (MANE Select); the canonical splice acceptor site of the intron before coding-DNA position 4223, G replaced by C.
Molecular consequence: splice acceptor variant.
Genome position (GRCh38, 1-based): chrX:17,728,648, G>C. VCF-style: chrX-17728648-G-C. GRCh37 (hg19) VCF-style: chrX-17746768-G-C.
Other names: c.4160-1G>C (NM_198270.4); c.3692-1G>C (NM_001136024.4); c.3629-1G>C (NM_001291868.2); c.3884-1G>C (NM_001440780.1).
Identifiers: ClinVar variation 4995677 (VCV004995677.1).
Genomic context (GRCh38, chrX:17,728,648, plus strand): 5'-GTGAAGTACAGTAGCGTGCTGGGTAACTTCCTCTTAAAGATTCTTCTGTTCTTATTTTAA[G>C]AATCATCACCGAGTGATGACTCCATCATTTCACCACTTAGTGAAGACTCCCAAGCTGAAG-3'